The following is an entry in ClinVar:

NM_000073.3(CD3G):c.16G>C (p.Gly6Arg)

Gene: CD3G (CD3 gamma subunit of T-cell receptor complex; plus strand). Cytogenetic location: 11q23.3.
Variant type: single nucleotide variant.
Coding change: c.16G>C on transcript NM_000073.3 (MANE Select); coding-DNA position 16, G replaced by C.
Protein change: p.Gly6Arg; replaces glycine 6 with arginine.
Molecular consequence: missense variant.
Genome position (GRCh38, 1-based): chr11:118,344,439, G>C. VCF-style: chr11-118344439-G-C. GRCh37 (hg19) VCF-style: chr11-118215154-G-C.
Other names: short protein forms G6R.
Identifiers: ClinVar variation 1359225 (VCV001359225.8), dbSNP rs1481255896, ClinGen allele CA382791549.
Genomic context (GRCh38, chr11:118,344,439, plus strand): 5'-CTGCTAAGGGCTGCTCCACGCTTTTGCCGGAGGACAGAGACTGACATGGAACAGGGGAAG[G>C]GCCTGGCTGTCCTCATCCTGGCTATCATTCTTCTTCAAGGTAAGGGCCTACTAGGGGTCT-3'
Protein context (NP_000064.1, residues 1-16): MEQGK[Gly6Arg]LAVLILAIIL

ClinVar aggregate classification (germline): Uncertain significance (1 of 4 stars; one submission).

Conditions:
Combined immunodeficiency due to CD3gamma deficiency. Also called: Immunodeficiency 17; Immunodeficiency 17, CD3 gamma deficient; CD3-GAMMA DEFICIENCY; SCID-LIKE IMMUNODEFICIENCY, T CELL-PARTIAL, B CELL-POSITIVE, NK CELL-POSITIVE. Identifiers: Orphanet 169082, MedGen C3810107, MONDO:0014276, OMIM 615607.

Submission:

Labcorp Genetics (formerly Invitae), Labcorp
Classification: Uncertain significance for Combined immunodeficiency due to CD3gamma deficiency. Last evaluated: 2021-06-05. Review status: criteria provided, single submitter. Criteria: Invitae Variant Classification Sherloc (09022015). Collection method: clinical testing. Allele origin: germline.
Comment: This variant is not present in population databases (ExAC no frequency). This sequence change replaces glycine with arginine at codon 6 of the CD3G protein (p.Gly6Arg). The glycine residue is weakly conserved and there is a moderate physicochemical difference between glycine and arginine. This variant has not been reported in the literature in individuals with CD3G-related conditions. In summary, the available evidence is currently insufficient to determine the role of this variant in disease. Therefore, it has been classified as a Variant of Uncertain Significance. Algorithms developed to predict the effect of missense changes on protein structure and function output the following: SIFT: "Tolerated"; PolyPhen-2: "Benign"; Align-GVGD: "Class C0". The arginine amino acid residue is found in multiple mammalian species, suggesting that this missense change does not adversely affect protein function. These predictions have not been confirmed by published functional studies and their clinical significance is uncertain.